The following is an entry in ClinVar:

ClinVar aggregate classification (germline): Uncertain significance. Review status: criteria provided, multiple submitters, no conflicts (2 of 4 stars). 2 submissions from 2 submitters: Uncertain significance (2). Last evaluated 2025-08-10.

Conditions:
Left-right axis malformations. Identifiers: MedGen C1866091.

Allele frequency attached by ClinVar (database versions not stated): TOPMed below 0.00001; gnomAD 0.00001; gnomAD exomes 0.00001; ExAC 0.00003.
gnomAD v4.1: 21 of 1,611,766 alleles (0.0013%); highest among the groups gnomAD compares: Middle Eastern, 0.017%; no homozygotes.

Submissions (2):

Ambry Genetics
Classification: Uncertain significance. Last evaluated: 2025-08-10. Review status: criteria provided, single submitter. Criteria: Ambry Variant Classification Scheme 2023. Collection method: clinical testing. Allele origin: germline.

Labcorp Genetics (formerly Invitae), Labcorp
Classification: Uncertain significance for Left-right axis malformations. Last evaluated: 2022-03-04. Review status: criteria provided, single submitter. Criteria: Invitae Variant Classification Sherloc (09022015). Collection method: clinical testing. Allele origin: germline.
Comment: This variant has not been reported in the literature in individuals affected with LEFTY2-related conditions. This variant is present in population databases (rs775761211, gnomAD 0.003%). This sequence change replaces glutamic acid, which is acidic and polar, with lysine, which is basic and polar, at codon 254 of the LEFTY2 protein (p.Glu254Lys). Algorithms developed to predict the effect of missense changes on protein structure and function output the following: SIFT: "Tolerated"; PolyPhen-2: "Benign"; Align-GVGD: "Class C0". The lysine amino acid residue is found in multiple mammalian species, which suggests that this missense change does not adversely affect protein function. In summary, the available evidence is currently insufficient to determine the role of this variant in disease. Therefore, it has been classified as a Variant of Uncertain Significance.

NM_003240.5(LEFTY2):c.760G>A (p.Glu254Lys)

Gene: LEFTY2 (left-right determination factor 2; minus strand). Cytogenetic location: 1q42.12.
Variant type: single nucleotide variant.
Coding change: c.760G>A on transcript NM_003240.5 (MANE Select); coding-DNA position 760, G replaced by A.
Protein change: p.Glu254Lys; replaces glutamic acid 254 with lysine.
Molecular consequence: missense variant.
Genome position (GRCh38, 1-based): chr1:225,937,782, C>T on the plus strand (G>A on the coding strand, the complement: LEFTY2 is on the minus strand). VCF-style: chr1-225937782-C-T. GRCh37 (hg19) VCF-style: chr1-226125482-C-T.
Other names: c.658G>A, p.Glu220Lys (NM_001172425.3); c.760G>A (NM_003240.3); short protein forms E220K, E254K.
Identifiers: ClinVar variation 2067527 (VCV002067527.5), dbSNP rs775761211, ClinGen allele CA1420483.